The following is an entry in ClinVar:

NM_005391.5(PDK3):c.1193A>G (p.Asp398Gly)

Gene: PDK3 (pyruvate dehydrogenase kinase 3; plus strand). Cytogenetic location: Xp22.11.
Variant type: single nucleotide variant.
Coding change: c.1193A>G on transcript NM_005391.5 (MANE Select); coding-DNA position 1193, A replaced by G.
Protein change: p.Asp398Gly; replaces aspartic acid 398 with glycine.
Molecular consequence: missense variant.
Genome position (GRCh38, 1-based): chrX:24,534,044, A>G. VCF-style: chrX-24534044-A-G. GRCh37 (hg19) VCF-style: chrX-24552161-A-G.
Other names: c.1193A>G, p.Asp398Gly (NM_001142386.3); short protein forms D398G.
Identifiers: ClinVar variation 2081853 (VCV002081853.4), dbSNP rs765044068, ClinGen allele CA10372406.
Genomic context (GRCh38, chrX:24,534,044, plus strand): 5'-GCCATTACAAGACCACGCCTGAAGCCGATGATTGGAGCAATCCCAGCAGTGAACCCAGGG[A>G]TGCTTCAAAATACAAAGCAAAACAGTAATATACCACCTTGATTTCCATTACAAAGTATCT-3'
Protein context (NP_005382.1, residues 388-406): DWSNPSSEPR[Asp398Gly]ASKYKAKQ

ClinVar aggregate classification (germline): Uncertain significance (1 of 4 stars; one submission).

Conditions:
Charcot-Marie-Tooth disease X-linked dominant 6. Also called: CHARCOT-MARIE-TOOTH NEUROPATHY, X-LINKED DOMINANT, 6. Identifiers: Orphanet 352675, MedGen C3806702, MONDO:0010479, OMIM 300905.

Allele frequency attached by ClinVar (database versions not stated): ExAC 0.00001; gnomAD exomes 0.00001; TOPMed 0.00002.
gnomAD v4.1: 7 of 1,204,833 alleles (0.00058%); highest among the groups gnomAD compares: Admixed American, 0.016%; no homozygotes.

Submission:

Labcorp Genetics (formerly Invitae), Labcorp
Classification: Uncertain significance for Charcot-Marie-Tooth disease X-linked dominant 6. Last evaluated: 2025-08-31. Review status: criteria provided, single submitter. Criteria: Invitae Variant Classification Sherloc (09022015). Collection method: clinical testing. Allele origin: germline.
Comment: This sequence change replaces aspartic acid, which is acidic and polar, with glycine, which is neutral and non-polar, at codon 398 of the PDK3 protein (p.Asp398Gly). This variant is present in population databases (rs765044068, gnomAD 0.03%), including at least one homozygous and/or hemizygous individual. This variant has not been reported in the literature in individuals affected with PDK3-related conditions. ClinVar contains an entry for this variant (Variation ID: 2081853). An algorithm developed to predict the effect of missense changes on protein structure and function (PolyPhen-2) suggests that this variant is likely to be tolerated. In summary, the available evidence is currently insufficient to determine the role of this variant in disease. Therefore, it has been classified as a Variant of Uncertain Significance.